The following is an entry in ClinVar:

ClinVar aggregate classification (germline): Pathogenic/Likely pathogenic. Review status: criteria provided, multiple submitters, no conflicts (2 of 4 stars). 5 submissions from 5 submitters: Pathogenic (2); Likely pathogenic (3). Last evaluated 2025-09-16.

Conditions:
Primary ciliary dyskinesia 9. Also called: CILIARY DYSKINESIA, PRIMARY, 9, WITH OR WITHOUT SITUS INVERSUS. Identifiers: Orphanet 244, MedGen C2676235, MONDO:0012906, OMIM 612444.
Primary ciliary dyskinesia. Also called: Ciliary dyskinesia. Identifiers: Orphanet 244, MedGen C0008780, MONDO:0016575, HP:0012265.

Submissions (5):

Myriad Genetics, Inc.
Classification: Pathogenic for Primary ciliary dyskinesia 9. Last evaluated: 2025-09-16. Review status: criteria provided, single submitter. Criteria: Myriad Autosomal Dominant, Autosomal Recessive and X-Linked Classification Criteria (2023). Collection method: clinical testing. Allele origin: unknown.
Comment: NM_023036.4(DNAI2):c.1422delG(T475Qfs*21) is a frameshift variant classified as pathogenic in the context of primary ciliary dyskinesia, DNAI2-related. T475Qfs*21 has not been observed in cases with relevant disease. Relevant functional assessments of this variant are not available in the literature. T475Qfs*21 has not been observed in referenced population frequency databases. In summary, NM_023036.4(DNAI2):c.1422delG(T475Qfs*21) is a frameshift variant in a gene where loss of function is a known mechanism of disease and is predicted to disrupt protein function. Please note: this variant was assessed in the context of healthy population screening.

Natera, Inc.
Classification: Likely pathogenic for Primary ciliary dyskinesia. Last evaluated: 2024-06-03. Review status: criteria provided, single submitter. Criteria: Natera Variant Classification Schema (03/2026). Collection method: clinical testing. Allele origin: germline.
Comment: The c.1422delG variant in DNAI2 is a frameshift variant predicted to shift the reading frame beginning at codon 475 and leads to a stop codon 21 codons downstream. This variant is expected to result in nonsense mediated decay, truncation, or a dysfunctional protein product. This variant is rare in the general population with a frequency below the threshold expected for the associated phenotype(s). Given the available evidence, this variant is classified as Likely Pathogenic.

Fulgent Genetics
Classification: Likely pathogenic for Primary ciliary dyskinesia 9. Last evaluated: 2024-05-08. Review status: criteria provided, single submitter. Criteria: ACMG Guidelines, 2015. Collection method: clinical testing. Allele origin: germline.

Labcorp Genetics (formerly Invitae), Labcorp
Classification: Pathogenic for Primary ciliary dyskinesia. Last evaluated: 2023-09-19. Review status: criteria provided, single submitter. Criteria: Invitae Variant Classification Sherloc (09022015). Collection method: clinical testing. Allele origin: germline.
Comment: For these reasons, this variant has been classified as Pathogenic. ClinVar contains an entry for this variant (Variation ID: 567508). This variant has not been reported in the literature in individuals affected with DNAI2-related conditions. This variant is not present in population databases (gnomAD no frequency). This sequence change creates a premature translational stop signal (p.Thr475Glnfs*21) in the DNAI2 gene. It is expected to result in an absent or disrupted protein product. Loss-of-function variants in DNAI2 are known to be pathogenic (PMID: 18950741, 23891469).

Juno Genomics, Hangzhou Juno Genomics, Inc
Classification: Likely pathogenic for Primary ciliary dyskinesia 9. Review status: criteria provided, single submitter. Criteria: ACMG Guidelines, 2015. Collection method: clinical testing. Allele origin: germline.
Comment: Null variant in a gene where loss of function (LOF) is a known mechanism of disease.;Absent from controls (or at extremely low frequency if recessive) in Genome Aggregation Database.

Literature cited by the submitters: PubMed 18950741 (cited by Labcorp Genetics (formerly Invitae), Labcorp); PubMed 23891469 (cited by Labcorp Genetics (formerly Invitae), Labcorp).

NM_023036.6(DNAI2):c.1422del (p.Thr475fs)

Gene: DNAI2 (dynein axonemal intermediate chain 2; plus strand). Cytogenetic location: 17q25.1.
Variant type: Deletion.
Coding change: c.1422del on transcript NM_023036.6 (MANE Select); coding-DNA position 1422, one base deleted (G; older notation c.1422delG).
Protein change: p.Thr475fs; shifts the reading frame from threonine 475.
Molecular consequence: frameshift variant. On other transcripts: non-coding transcript variant (1).
Genome position (GRCh38, 1-based): chr17:74,310,091, G deleted; the last of 4 consecutive G bases (chr17:74,310,088-74,310,091); deleting any one gives the same sequence. VCF-style (leftmost placement, unchanged base first): chr17-74310087-TG-T. GRCh37 (hg19) VCF-style: chr17-72306226-TG-T.
Other names: c.1422delG (NM_023036.6, NM_023036.5); c.1386del, p.Thr463fs (NM_001172810.3); c.1422del, p.Thr475fs (NM_001353167.2); short protein forms T463fs, T475fs.
Identifiers: ClinVar variation 567508 (VCV000567508.12), dbSNP rs1240172375, ClinGen allele CA774976051.
Genomic context (GRCh38, chr17:74,310,087, plus strand): 5'-AGGCCCTCTTCTGCCTCCGGGTGCAGGACAATGGGTGTCTCATCGCCTGCGGCTCCCAGC[TG>T]GGGACAACCACCCTGCTGGAGGTCTCGCCTGGGCTCTCTACCCTCCAGAGGAATGAGAAG-3'